The following is an entry in ClinVar:

NM_015631.6(TCTN3):c.1589A>G (p.Gln530Arg)

Gene: TCTN3 (tectonic family member 3; minus strand). Cytogenetic location: 10q24.1.
Variant type: single nucleotide variant.
Coding change: c.1589A>G on transcript NM_015631.6 (MANE Select); coding-DNA position 1589, A replaced by G.
Protein change: p.Gln530Arg; replaces glutamine 530 with arginine.
Molecular consequence: missense variant.
Genome position (GRCh38, 1-based): chr10:95,680,473, T>C on the plus strand (A>G on the coding strand, the complement: TCTN3 is on the minus strand). VCF-style: chr10-95680473-T-C. GRCh37 (hg19) VCF-style: chr10-97440230-T-C.
Other names: c.1145A>G, p.Gln382Arg (NM_001143973.2); short protein forms Q530R, Q382R.
Identifiers: ClinVar variation 1491156 (VCV001491156.6), dbSNP rs1165507491, ClinGen allele CA377701553.

ClinVar aggregate classification (germline): Uncertain significance (1 of 4 stars; one submission).

Conditions:
Joubert syndrome 18 (JBTS18). Identifiers: Orphanet 2754, MedGen C3553758, MONDO:0013896, OMIM 614815.
Orofacial-digital syndrome IV (OFD4). Also called: Orofaciodigital syndrome IV; BARAITSER-BURN SYNDROME; MOHR-MAJEWSKI SYNDROME; OFD SYNDROME WITH TIBIAL DEFECTS; OFD SYNDROME, BARAITSER-BURN TYPE; OFDS IV. Identifiers: Orphanet 2753, MedGen C0406727, MONDO:0009794, OMIM 258860.

Allele frequency attached by ClinVar (database versions not stated): gnomAD exomes below 0.00001; TOPMed below 0.00001.
gnomAD v4.1: 2 of 1,612,810 alleles (0.00012%); highest among the groups gnomAD compares: Non-Finnish European, 0.00017%; no homozygotes.

Submission:

Labcorp Genetics (formerly Invitae), Labcorp
Classification: Uncertain significance for Joubert syndrome 18; Orofacial-digital syndrome IV. Last evaluated: 2022-05-27. Review status: criteria provided, single submitter. Criteria: Invitae Variant Classification Sherloc (09022015). Collection method: clinical testing. Allele origin: germline.
Comment: This sequence change replaces glutamine, which is neutral and polar, with arginine, which is basic and polar, at codon 530 of the TCTN3 protein (p.Gln530Arg). This variant is not present in population databases (gnomAD no frequency). This variant has not been reported in the literature in individuals affected with TCTN3-related conditions. Algorithms developed to predict the effect of missense changes on protein structure and function output the following: SIFT: "Tolerated"; PolyPhen-2: "Benign"; Align-GVGD: "Class C0". The arginine amino acid residue is found in multiple mammalian species, which suggests that this missense change does not adversely affect protein function. In summary, the available evidence is currently insufficient to determine the role of this variant in disease. Therefore, it has been classified as a Variant of Uncertain Significance.